The following is an entry in ClinVar:

NM_000548.5(TSC2):c.2584G>T (p.Ala862Ser)

Gene: TSC2 (TSC complex subunit 2; plus strand). Cytogenetic location: 16p13.3.
Variant type: single nucleotide variant.
Coding change: c.2584G>T on transcript NM_000548.5 (MANE Select); coding-DNA position 2584, G replaced by T.
Protein change: p.Ala862Ser; replaces alanine 862 with serine.
Molecular consequence: missense variant.
Genome position (GRCh38, 1-based): chr16:2,075,837, G>T. VCF-style: chr16-2075837-G-T. GRCh37 (hg19) VCF-style: chr16-2125838-G-T.
Other names: c.1240G>T, p.Ala414Ser (NM_001406694.1, NM_001406695.1, NM_001406696.1 and 6 more transcripts); c.982G>T, p.Ala328Ser (NM_001406698.1); c.2584G>T, p.Ala862Ser (NM_021055.3, NM_001077183.3, NM_001114382.3 and 6 more transcripts); c.2473G>T, p.Ala825Ser (NM_001318827.2, NM_001406670.1, NM_001406678.1); c.2437G>T, p.Ala813Ser (NM_001318829.2, NM_001406675.1, NM_001406676.1 and 1 more transcripts); c.1984G>T, p.Ala662Ser (NM_001318831.2, NM_001406685.1, NM_001406686.1 and 6 more transcripts); c.2617G>T, p.Ala873Ser (NM_001318832.2); c.2674G>T, p.Ala892Ser (NM_001406667.1, NM_001406668.1); and 3 more; short protein forms A328S, A662S, A813S, A873S, A892S, A825S, A843S, A858S.
Identifiers: ClinVar variation 1793417 (VCV001793417.5), dbSNP rs759837836, ClinGen allele CA394278378.

ClinVar aggregate classification (germline): Uncertain significance. Review status: criteria provided, multiple submitters, no conflicts (2 of 4 stars). 2 submissions from 2 submitters: Uncertain significance (2). Last evaluated 2023-03-16.

Conditions:
Hereditary cancer-predisposing syndrome. Also called: Neoplastic Syndromes, Hereditary; Tumor predisposition; Hereditary neoplastic syndrome; Hereditary Cancer Syndrome. Identifiers: Orphanet 140162, MedGen C0027672, MeSH D009386, MONDO:0015356.
Tuberous sclerosis 2 (TSC2). Identifiers: Orphanet 805, MedGen C1860707, MONDO:0013199, OMIM 613254.

Submissions (2):

Labcorp Genetics (formerly Invitae), Labcorp
Classification: Uncertain significance for Tuberous sclerosis 2. Last evaluated: 2023-03-16. Review status: criteria provided, single submitter. Criteria: Invitae Variant Classification Sherloc (09022015). Collection method: clinical testing. Allele origin: germline.
Comment: In summary, the available evidence is currently insufficient to determine the role of this variant in disease. Therefore, it has been classified as a Variant of Uncertain Significance. Advanced modeling of protein sequence and biophysical properties (such as structural, functional, and spatial information, amino acid conservation, physicochemical variation, residue mobility, and thermodynamic stability) performed at Invitae indicates that this missense variant is not expected to disrupt TSC2 protein function. ClinVar contains an entry for this variant (Variation ID: 1793417). This variant has not been reported in the literature in individuals affected with TSC2-related conditions. This variant is not present in population databases (gnomAD no frequency). This sequence change replaces alanine, which is neutral and non-polar, with serine, which is neutral and polar, at codon 862 of the TSC2 protein (p.Ala862Ser).

Ambry Genetics
Classification: Uncertain significance for Hereditary cancer-predisposing syndrome. Last evaluated: 2022-01-06. Review status: criteria provided, single submitter. Criteria: Ambry Variant Classification Scheme 2023. Collection method: clinical testing. Allele origin: germline.
Comment: The p.A862S variant (also known as c.2584G>T), located in coding exon 22 of the TSC2 gene, results from a G to T substitution at nucleotide position 2584. The alanine at codon 862 is replaced by serine, an amino acid with similar properties. This amino acid position is highly conserved in available vertebrate species. In addition, the in silico prediction for this alteration is inconclusive. Since supporting evidence is limited at this time, the clinical significance of this alteration remains unclear.